The following is an entry in ClinVar:

ClinVar aggregate classification (germline): Conflicting classifications of pathogenicity. Review status: criteria provided, conflicting classifications (1 of 4 stars). 2 submissions from 2 submitters: Uncertain significance (1); Likely benign (1). Last evaluated 2025-07-31.

Conditions:
Hereditary cancer-predisposing syndrome. Also called: Tumor predisposition; Hereditary Cancer Syndrome; Neoplastic Syndromes, Hereditary; Hereditary neoplastic syndrome. Identifiers: Orphanet 140162, MedGen C0027672, MeSH D009386, MONDO:0015356.
Hereditary breast ovarian cancer syndrome. Also called: Breast and ovarian cancer; Hereditary breast and ovarian cancer; Hereditary breast and ovarian cancer syndrome; Hereditary breast and ovarian cancer syndrome (HBOC); BRCA1- and BRCA2-Associated Hereditary Breast and Ovarian Cancer; Hereditary breast and/or ovarian cancer syndrome. Identifiers: Orphanet 145, MedGen C0677776, MeSH D061325, MONDO:0003582. Disease mechanism: loss of function.

Submissions (2):

Labcorp Genetics (formerly Invitae), Labcorp
Classification: Uncertain significance for Hereditary breast ovarian cancer syndrome. Last evaluated: 2025-07-31. Review status: criteria provided, single submitter. Criteria: Invitae Variant Classification Sherloc (09022015). Collection method: clinical testing. Allele origin: germline.
Comment: This sequence change replaces valine, which is neutral and non-polar, with phenylalanine, which is neutral and non-polar, at codon 831 of the BRCA2 protein (p.Val831Phe). This variant is not present in population databases (gnomAD no frequency). This missense change has been observed in individual(s) with BRCA2-related conditions (PMID: 29470806). ClinVar contains an entry for this variant (Variation ID: 3774435). Invitae Evidence Modeling of protein sequence and biophysical properties (such as structural, functional, and spatial information, amino acid conservation, physicochemical variation, residue mobility, and thermodynamic stability) indicates that this missense variant is not expected to disrupt BRCA2 protein function with a negative predictive value of 95%. In summary, the available evidence is currently insufficient to determine the role of this variant in disease. Therefore, it has been classified as a Variant of Uncertain Significance.

Molecular Diagnostics Laboratory, Catalan Institute of Oncology
Classification: Likely benign for Hereditary cancer-predisposing syndrome. Last evaluated: 2024-10-24. Review status: criteria provided, single submitter. Criteria: ClinGen BRCA1BRCA2 ACMG Specifications BRCA2 V1.0.0. Collection method: clinical testing. Allele origin: germline.
Comment: PM2_Supporting, BP1_Strong c.2491G>T, located in exon 11 of the BRCA2 gene, is predicted to result in the substitution of Val by Phe at codon 831, p.(Val831Phe). This position is outside a (potentially) clinically important functional domain and, moreover, the SpliceAI algorithm predicts no significant impact on splicing (BP1_strong). It is not present in the population database gnomAD v2.1.1, non cancer dataset (PM2_supporting). To our knowledge, neither relevant clinical data nor well-stablished functional studies have been reported for this variant and there are no reports of pathogenic missense variants in the same codon. Also, it has not been reported neither in ClinVar, BRCA Exchange nor in LOVD databases. Based on currently available information, the variant c.2491G>T should be considered a likely benign variant according to ClinGen-BRCA2 Guidelines version v1.0.0.

Literature cited by the submitters: PubMed 29470806 (cited by Labcorp Genetics (formerly Invitae), Labcorp).

NM_000059.4(BRCA2):c.2491G>T (p.Val831Phe)

Gene: BRCA2 (BRCA2 DNA repair associated; plus strand). Cytogenetic location: 13q13.1.
Variant type: single nucleotide variant.
Coding change: c.2491G>T on transcript NM_000059.4 (MANE Select); coding-DNA position 2491, G replaced by T.
Protein change: p.Val831Phe; replaces valine 831 with phenylalanine.
Molecular consequence: missense variant. On other transcripts: non-coding transcript variant (1), intron variant (2).
Genome position (GRCh38, 1-based): chr13:32,336,846, G>T. VCF-style: chr13-32336846-G-T. GRCh37 (hg19) VCF-style: chr13-32910983-G-T.
Other names: c.2491G>T, p.Val831Phe (NM_001406719.1, NM_001406720.1, NM_001432077.1); c.1909+3459G>T (NM_001406721.1); c.424+5816G>T (NM_001406722.1); short protein forms V831F.
Identifiers: ClinVar variation 3774435 (VCV003774435.2).